The following is an entry in ClinVar:

ClinVar aggregate classification (germline): Uncertain significance (1 of 4 stars; one submission).

Allele frequency attached by ClinVar (database versions not stated): gnomAD 0.00002; TOPMed 0.00002; ExAC 0.00009; 1000 Genomes Project 0.00020; 1000 Genomes Project 30x 0.00031.
gnomAD v4.1: 14 of 1,612,798 alleles (0.00087%); highest among the groups gnomAD compares: East Asian, 0.027%; no homozygotes.

Submission:

Center for Genomics, Ann and Robert H. Lurie Children's Hospital of Chicago
Classification: Uncertain significance. Last evaluated: 2021-03-30. Review status: criteria provided, single submitter. Criteria: ACMG Guidelines, 2015. Collection method: clinical testing. Allele origin: germline.
Comment: CKMT2 NM_001825.2 exon 5 c.352-3C>T: This variant has not been reported in the literature and is present in 0.08% (15/18392) of East Asian alleles in the Genome Aggregation Database. Evolutionary conservation and computational predictive tools for this variant are limited or unavailable. This variant is an intronic variant with no predicted change in the amino acid sequence but may have an unknown effect on splicing. Further studies are needed to understand its impact. In summary, data on this variant is insufficient for disease classification. Therefore, the clinical significance of this variant is uncertain.

NM_001099735.2(CKMT2):c.352-3C>T

Genes: CKMT2 (creatine kinase, mitochondrial 2; plus strand), CKMT2-AS1 (CKMT2 antisense RNA 1; minus strand). Cytogenetic location: 5q14.1.
Variant type: single nucleotide variant.
Coding change: c.352-3C>T on transcript NM_001099735.2 (MANE Select); 3 bases into the intron before coding-DNA position 352, C replaced by T.
Molecular consequence: intron variant.
Genome position (GRCh38, 1-based): chr5:81,254,393, C>T. VCF-style: chr5-81254393-C-T. GRCh37 (hg19) VCF-style: chr5-80550212-C-T.
Other names: c.352-3C>T (NM_001099736.2, NM_001825.3).
Identifiers: ClinVar variation 2501739 (VCV002501739.1), dbSNP rs190871941, ClinGen allele CA3329684.
Genomic context (GRCh38, chr5:81,254,393, plus strand): 5'-GGAAAGGTCTTTAAATAGTAGGTGAACCAGTTAAAGAGGAAACACCCATCTTCCCTCCTG[C>T]AGGTGTTTGCTGACCTTTTTGACCCCGTCATCAAACTAAGACACAACGGCTATGACCCCA-3'